The following is an entry in ClinVar:

NM_138927.4(SON):c.3800C>T (p.Ala1267Val)

Gene: SON (SON DNA and RNA binding protein; plus strand). Cytogenetic location: 21q22.11.
Variant type: single nucleotide variant.
Coding change: c.3800C>T on transcript NM_138927.4 (MANE Select); coding-DNA position 3800, C replaced by T.
Protein change: p.Ala1267Val; replaces alanine 1267 with valine.
Molecular consequence: missense variant. On other transcripts: non-coding transcript variant (1), intron variant (1).
Genome position (GRCh38, 1-based): chr21:33,553,031, C>T. VCF-style: chr21-33553031-C-T. GRCh37 (hg19) VCF-style: chr21-34925337-C-T.
Other names: c.3800C>T, p.Ala1267Val (NM_001291411.2, NM_032195.3); c.245-4125C>T (NM_001291412.3); short protein forms A1267V.
Identifiers: ClinVar variation 3365602 (VCV003365602.2).

ClinVar aggregate classification (germline): Uncertain significance (1 of 4 stars; one submission).

Submission:

GeneDx
Classification: Uncertain significance. Last evaluated: 2025-07-03. Review status: criteria provided, single submitter. Criteria: GeneDx Variant Classification Process June 2021. Collection method: clinical testing. Allele origin: germline.
Comment: Not observed at significant frequency in large population cohorts (gnomAD); In silico analysis suggests that this missense variant does not alter protein structure/function; Has not been previously published as pathogenic or benign to our knowledge; Reported using an alternate transcript of the gene